The following is an entry in ClinVar:

NM_201548.5(CERKL):c.824C>A (p.Ser275Tyr)

Gene: CERKL (CERK like autophagy regulator; minus strand). Cytogenetic location: 2q31.3.
Variant type: single nucleotide variant.
Coding change: c.824C>A on transcript NM_201548.5 (MANE Select); coding-DNA position 824, C replaced by A.
Protein change: p.Ser275Tyr; replaces serine 275 with tyrosine.
Molecular consequence: missense variant. On other transcripts: non-coding transcript variant (2).
Genome position (GRCh38, 1-based): chr2:181,549,705, G>T on the plus strand (C>A on the coding strand, the complement: CERKL is on the minus strand). VCF-style: chr2-181549705-G-T. GRCh37 (hg19) VCF-style: chr2-182414432-G-T.
Other names: c.902C>A, p.Ser301Tyr (NM_001030311.3); c.485C>A, p.Ser162Tyr (NM_001030312.3); c.617C>A, p.Ser206Tyr (NM_001030313.3); c.770C>A, p.Ser257Tyr (NM_001160277.2); short protein forms S162Y, S206Y, S257Y, S275Y, S301Y.
Identifiers: ClinVar variation 1062235 (VCV001062235.9), dbSNP rs765183381, ClinGen allele CA349737983.

ClinVar aggregate classification (germline): Uncertain significance. Review status: criteria provided, single submitter (1 of 4 stars). 2 submissions from 2 submitters: Uncertain significance (1). 1 of the submissions does not count toward it. Last evaluated 2024-12-02.

Conditions:
Retinitis pigmentosa 26 (RP26). Identifiers: Orphanet 791, MedGen C1842127, MONDO:0012024, OMIM 608380.

gnomAD v4.1: 5 of 1,609,752 alleles (0.00031%); highest among the groups gnomAD compares: Admixed American, 0.0083%; no homozygotes.

Submissions (2):

Labcorp Genetics (formerly Invitae), Labcorp
Classification: Uncertain significance. Last evaluated: 2024-12-02. Review status: criteria provided, single submitter. Criteria: Invitae Variant Classification Sherloc (09022015). Collection method: clinical testing. Allele origin: germline.
Comment: This sequence change replaces serine, which is neutral and polar, with tyrosine, which is neutral and polar, at codon 301 of the CERKL protein (p.Ser301Tyr). This variant is present in population databases (no rsID available, gnomAD 0.01%). This variant has not been reported in the literature in individuals affected with CERKL-related conditions. ClinVar contains an entry for this variant (Variation ID: 1062235). Invitae Evidence Modeling of protein sequence and biophysical properties (such as structural, functional, and spatial information, amino acid conservation, physicochemical variation, residue mobility, and thermodynamic stability) indicates that this missense variant is expected to disrupt CERKL protein function with a positive predictive value of 95%. In summary, the available evidence is currently insufficient to determine the role of this variant in disease. Therefore, it has been classified as a Variant of Uncertain Significance.

Natera, Inc.
Classification: Uncertain significance for Retinitis Pigmentosa 26. Last evaluated: 2020-11-03. Review status: no assertion criteria provided. Collection method: clinical testing. Allele origin: germline. Not counted in ClinVar's aggregate classification.